The following is an entry in ClinVar:

NM_000455.5(STK11):c.172G>A (p.Gly58Ser)

Gene: STK11 (serine/threonine kinase 11; plus strand). Cytogenetic location: 19p13.3.
Variant type: single nucleotide variant.
Coding change: c.172G>A on transcript NM_000455.5 (MANE Select); coding-DNA position 172, G replaced by A.
Protein change: p.Gly58Ser; replaces glycine 58 with serine.
Molecular consequence: missense variant.
Genome position (GRCh38, 1-based): chr19:1,207,085, G>A. VCF-style: chr19-1207085-G-A. GRCh37 (hg19) VCF-style: chr19-1207084-G-A.
Other names: short protein forms G58S.
Identifiers: ClinVar variation 428778 (VCV000428778.7), dbSNP rs1131690942, ClinGen allele CA402944155.

ClinVar aggregate classification (germline): Uncertain significance. Review status: criteria provided, multiple submitters, no conflicts (2 of 4 stars). 2 submissions from 2 submitters: Uncertain significance (2). Last evaluated 2026-04-24.

Conditions:
Hereditary cancer-predisposing syndrome. Also called: Tumor predisposition; Hereditary Cancer Syndrome; Hereditary neoplastic syndrome; Neoplastic Syndromes, Hereditary. Identifiers: Orphanet 140162, MedGen C0027672, MeSH D009386, MONDO:0015356.

Submissions (2):

Ambry Genetics
Classification: Uncertain significance for Hereditary cancer-predisposing syndrome. Last evaluated: 2026-04-24. Review status: criteria provided, single submitter. Criteria: Ambry Variant Classification Scheme 2023. Collection method: clinical testing. Allele origin: germline.
Comment: The p.G58S variant (also known as c.172G>A) is located in coding exon 1 of the STK11 gene. This alteration results from a G to A substitution at nucleotide position 172. The glycine at codon 58 is replaced by serine, an amino acid with some similar properties. Based on protein sequence alignment, this amino acid position is highly conserved in available vertebrate species. In addition, this alteration is predicted to be deleterious by in silico analysis. Since supporting evidence is limited at this time, the clinical significance of this alteration remains unclear.

Blueprint Genetics
Classification: Uncertain significance. Last evaluated: 2024-08-01. Review status: criteria provided, single submitter. Criteria: ACMG Guidelines, 2015. Collection method: clinical testing. Allele origin: germline.